The following is an entry in ClinVar:

ClinVar aggregate classification (germline): Likely pathogenic (1 of 4 stars; one submission).

Conditions:
Hereditary cancer-predisposing syndrome. Also called: Tumor predisposition; Hereditary neoplastic syndrome; Hereditary Cancer Syndrome; Neoplastic Syndromes, Hereditary. Identifiers: Orphanet 140162, MedGen C0027672, MeSH D009386, MONDO:0015356.

Submission:

Ambry Genetics
Classification: Likely pathogenic for Hereditary cancer-predisposing syndrome. Last evaluated: 2026-04-15. Review status: criteria provided, single submitter. Criteria: Ambry Variant Classification Scheme 2023. Collection method: clinical testing. Allele origin: germline.
Comment: The p.M2918V variant (also known as c.8752A>G), located in coding exon 59 of the ATM gene, results from an A to G substitution at nucleotide position 8752. The methionine at codon 2918 is replaced by valine, an amino acid with highly similar properties. In an assay testing ATM function, this variant showed a functionally abnormal result (Lee KS et al. Cell, 2025 Sep;188:5081-5099.e27). Based on internal structural analysis, this variant is anticipated to be moderately destabilizing to the local structure (Ambry internal data). This variant is considered to be rare based on population cohorts in the Genome Aggregation Database (gnomAD). This amino acid position is highly conserved in available vertebrate species. In addition, this alteration is predicted to be deleterious by in silico analysis. Based on the majority of available evidence to date, this variant is likely to be pathogenic.

Literature cited by the submitters: PubMed 40580951.

NM_000051.4(ATM):c.8752A>G (p.Met2918Val)

Genes: ATM (ATM serine/threonine kinase; plus strand), C11orf65 (chromosome 11 open reading frame 65; minus strand). Cytogenetic location: 11q22.3.
Variant type: single nucleotide variant.
Coding change: c.8752A>G on transcript NM_000051.4 (MANE Select); coding-DNA position 8752, A replaced by G.
Protein change: p.Met2918Val; replaces methionine 2918 with valine.
Molecular consequence: missense variant. On other transcripts: intron variant (2).
Genome position (GRCh38, 1-based): chr11:108,353,846, A>G. VCF-style: chr11-108353846-A-G. GRCh37 (hg19) VCF-style: chr11-108224573-A-G.
Other names: c.8752A>G, p.Met2918Val (NM_001351834.2); c.640+32074T>C (NM_001330368.2); c.695-18554T>C (NM_001351110.2); short protein forms M2918V.
Identifiers: ClinVar variation 4866204 (VCV004866204.1).
Genomic context (GRCh38, chr11:108,353,846, plus strand): 5'-AAAATCCTTCCTACTCCTGAGACAGTTCCTTTTAGACTCACCAGAGATATTGTGGATGGC[A>G]TGGGCATTACGGGTGTTGAAGGTGTCTTCAGAAGGTAAGTGATATGAAGTAAAGGAGGGA-3'
Protein context (NP_000042.3, residues 2908-2928): FRLTRDIVDG[Met2918Val]GITGVEGVFR